The following is an entry in ClinVar:

ClinVar aggregate classification (germline): Pathogenic. Review status: criteria provided, multiple submitters, no conflicts (2 of 4 stars). 5 submissions from 5 submitters: Pathogenic (2). 3 of the submissions do not count toward it. Last evaluated 2024-04-26.

Conditions:
Juvenile neuronal ceroid lipofuscinosis. Also called: Batten Disease. Identifiers: Orphanet 79264, MedGen CN293564, MONDO:0019262.
Neuronal ceroid lipofuscinosis. Also called: Neuronal Ceroid Lipofuscinoses. Identifiers: Orphanet 216, Orphanet 79263, MedGen C0027877, MONDO:0016295. Disease mechanism: loss of function.
Neuronal ceroid lipofuscinosis 3 (CLN3). Identifiers: Orphanet 228346, MedGen C0751383, MONDO:0008767, OMIM 204200.

Submissions (5):

Natera, Inc.
Classification: Pathogenic for Batten Disease. Last evaluated: 2024-04-26. Review status: criteria provided, single submitter. Criteria: Natera Variant Classification Schema (03/2026). Collection method: clinical testing. Allele origin: germline.
Comment: The c.533+1G>C variant in CLN3 is a canonical splice donor site variant predicted to affect pre-mRNA splicing, which may result in an abnormal transcript and altered protein product. This variant is expected to result in nonsense mediated decay, truncation, or a dysfunctional protein product. This variant is rare in the general population with a frequency below the threshold expected for the associated phenotype(s). This variant has been observed in one or more individuals affected with the associated recessive disease, as either homozygous or compound heterozygous with a second variant (PMID: 7553855). Given the available evidence, this variant is classified as Pathogenic.

Labcorp Genetics (formerly Invitae), Labcorp
Classification: Pathogenic for Neuronal ceroid lipofuscinosis. Last evaluated: 2023-04-09. Review status: criteria provided, single submitter. Criteria: Invitae Variant Classification Sherloc (09022015). Collection method: clinical testing. Allele origin: germline.
Comment: This sequence change affects a donor splice site in intron 8 of the CLN3 gene. It is expected to disrupt RNA splicing. Variants that disrupt the donor or acceptor splice site typically lead to a loss of protein function (PMID: 16199547), and loss-of-function variants in CLN3 are known to be pathogenic (PMID: 9311735, 28542676). For these reasons, this variant has been classified as Pathogenic. Algorithms developed to predict the effect of sequence changes on RNA splicing suggest that this variant may disrupt the consensus splice site. ClinVar contains an entry for this variant (Variation ID: 56279). Disruption of this splice site has been observed in individual(s) with neuronal ceroid lipofuscinosis (PMID: 7553855). In at least one individual the data is consistent with being in trans (on the opposite chromosome) from a pathogenic variant. This variant is not present in population databases (gnomAD no frequency).

Counsyl
Classification: Likely pathogenic for Neuronal ceroid lipofuscinosis 3. Last evaluated: 2018-02-13. Review status: no assertion criteria provided. Collection method: clinical testing. Allele origin: unknown. Not counted in ClinVar's aggregate classification.

OMIM
Classification: Pathogenic for CEROID LIPOFUSCINOSIS, NEURONAL, 3. Last evaluated: 1995-09-22. Review status: no assertion criteria provided. Collection method: literature only. Allele origin: germline. Not counted in ClinVar's aggregate classification.

Juha Muilu Group; Institute for Molecular Medicine Finland (FIMM)
Classification: Likely pathogenic for Juvenile neuronal ceroid lipofuscinosis. Review status: no assertion criteria provided. Collection method: not provided. Allele origin: unknown. Not counted in ClinVar's aggregate classification.
Comment: FinDis database variant: This variant was not found or characterized by our laboratory, data were collected from public sources: see reference
ClinVar note: Converted during submission from probable-pathogenic to Likely pathogenic.

Literature cited by the submitters: PubMed 7553855 (cited by 3 submitters); PubMed 16199547 (cited by Labcorp Genetics (formerly Invitae), Labcorp); PubMed 9311735 (cited by Labcorp Genetics (formerly Invitae), Labcorp); PubMed 28542676 (cited by Labcorp Genetics (formerly Invitae), Labcorp); PubMed 25525159 (cited by Counsyl); PubMed 9932957 (cited by Counsyl).

NM_001042432.2(CLN3):c.533+1G>C

Gene: CLN3 (CLN3 lysosomal/endosomal transmembrane protein, battenin; minus strand). Cytogenetic location: 16p12.1.
Variant type: single nucleotide variant.
Coding change: c.533+1G>C on transcript NM_001042432.2 (MANE Select); the canonical splice donor site of the intron after coding-DNA position 533, G replaced by C.
Molecular consequence: splice donor variant.
Genome position (GRCh38, 1-based): chr16:28,486,577, C>G on the plus strand (G>C on the coding strand, the complement: CLN3 is on the minus strand). VCF-style: chr16-28486577-C-G. GRCh37 (hg19) VCF-style: chr16-28497898-C-G.
Other names: c.299+1G>C (NM_001286109.2); c.461+1G>C (NM_001286104.2); c.233+1G>C (NM_001286105.2); c.371+1G>C (NM_001286110.2); c.533+1G>C (NM_000086.2).
Identifiers: ClinVar variation 56279 (VCV000056279.12), dbSNP rs386833728, ClinGen allele CA263701.